The following is an entry in ClinVar:

ClinVar aggregate classification (germline): Uncertain significance (1 of 4 stars; one submission).

Conditions:
Amyotrophic lateral sclerosis type 4 (ALS4). Also called: NEURONOPATHY, DISTAL HEREDITARY MOTOR, WITH PYRAMIDAL FEATURES; AMYOTROPHIC LATERAL SCLEROSIS 4, JUVENILE. Identifiers: Orphanet 357043, MedGen C1865409, MONDO:0011223, OMIM 602433.
Spinocerebellar ataxia, autosomal recessive, with axonal neuropathy 2 (SCAN2). Also called: ATAXIA-OCULOMOTOR APRAXIA 2; Ataxia-ocular apraxia-2; Ataxia with Oculomotor Apraxia; Ataxia with Oculomotor Apraxia Type 2. Identifiers: Orphanet 64753, MedGen C1853761, MONDO:0018996, OMIM 606002.

Allele frequency attached by ClinVar (database versions not stated): TOPMed below 0.00001.

Submission:

Labcorp Genetics (formerly Invitae), Labcorp
Classification: Uncertain significance for Amyotrophic lateral sclerosis type 4; Spinocerebellar ataxia, autosomal recessive, with axonal neuropathy 2. Last evaluated: 2023-08-14. Review status: criteria provided, single submitter. Criteria: Invitae Variant Classification Sherloc (09022015). Collection method: clinical testing. Allele origin: germline.
Comment: This sequence change replaces leucine, which is neutral and non-polar, with phenylalanine, which is neutral and non-polar, at codon 747 of the SETX protein (p.Leu747Phe). This variant is not present in population databases (gnomAD no frequency). This variant has not been reported in the literature in individuals affected with SETX-related conditions. Advanced modeling of protein sequence and biophysical properties (such as structural, functional, and spatial information, amino acid conservation, physicochemical variation, residue mobility, and thermodynamic stability) performed at Invitae indicates that this missense variant is not expected to disrupt SETX protein function. In summary, the available evidence is currently insufficient to determine the role of this variant in disease. Therefore, it has been classified as a Variant of Uncertain Significance.

NM_015046.7(SETX):c.2241G>C (p.Leu747Phe)

Gene: SETX (senataxin; minus strand). Cytogenetic location: 9q34.13.
Variant type: single nucleotide variant.
Coding change: c.2241G>C on transcript NM_015046.7 (MANE Select); coding-DNA position 2241, G replaced by C.
Protein change: p.Leu747Phe; replaces leucine 747 with phenylalanine.
Molecular consequence: missense variant.
Genome position (GRCh38, 1-based): chr9:132,329,357, C>G on the plus strand (G>C on the coding strand, the complement: SETX is on the minus strand). VCF-style: chr9-132329357-C-G. GRCh37 (hg19) VCF-style: chr9-135204744-C-G.
Other names: c.2241G>C, p.Leu747Phe (NM_001351527.2, NM_001351528.2); short protein forms L747F.
Identifiers: ClinVar variation 2934126 (VCV002934126.3), dbSNP rs1847071004, ClinGen allele CA375336489.